The following is an entry in ClinVar:

NM_015295.3(SMCHD1):c.4894C>G (p.Gln1632Glu)

Gene: SMCHD1 (structural maintenance of chromosomes flexible hinge domain containing 1; plus strand). Cytogenetic location: 18p11.32.
Variant type: single nucleotide variant.
Coding change: c.4894C>G on transcript NM_015295.3 (MANE Select); coding-DNA position 4894, C replaced by G.
Protein change: p.Gln1632Glu; replaces glutamine 1632 with glutamic acid.
Molecular consequence: missense variant.
Genome position (GRCh38, 1-based): chr18:2,770,036, C>G. VCF-style: chr18-2770036-C-G. GRCh37 (hg19) VCF-style: chr18-2770034-C-G.
Other names: short protein forms Q1632E.
Identifiers: ClinVar variation 464168 (VCV000464168.12), dbSNP rs1365539591, ClinGen allele CA401682176.
Genomic context (GRCh38, chr18:2,770,036, plus strand): 5'-TTTTTTTTCTTAGATGTTAAGAAGCAGCAACAAATGGCAGCACTTACAAAAGAAAAGGAC[C>G]AATTATCTCAGTCTATTGTTATGTATAAAAGTTTATTTGAAGCCAGCCAACAGCTTCTTA-3'
Protein context (NP_056110.2, residues 1622-1642): QMAALTKEKD[Gln1632Glu]LSQSIVMYKS

ClinVar aggregate classification (germline): Uncertain significance. Review status: criteria provided, multiple submitters, no conflicts (2 of 4 stars). 3 submissions from 3 submitters: Uncertain significance (3). Last evaluated 2024-10-10.

Conditions:
Facioscapulohumeral muscular dystrophy 2 (FSHD2). Also called: MUSCULAR DYSTROPHY, FACIOSCAPULOHUMERAL, TYPE 1B; FACIOSCAPULOHUMERAL MUSCULAR DYSTROPHY 2, DIGENIC; FSHD2, DIGENIC. Identifiers: Orphanet 269, MedGen C1834671, MONDO:0008031, OMIM 158901.

Allele frequency attached by ClinVar (database versions not stated): gnomAD 0.00001; gnomAD exomes 0.00001; TOPMed 0.00002.
gnomAD v4.1: 17 of 1,601,174 alleles (0.0011%); highest among the groups gnomAD compares: Non-Finnish European, 0.0014%; no homozygotes.

Submissions (3):

Revvity Omics, Revvity
Classification: Uncertain significance. Last evaluated: 2024-10-10. Review status: criteria provided, single submitter. Criteria: ACMG Guidelines, 2015. Collection method: clinical testing. Allele origin: germline.

Labcorp Genetics (formerly Invitae), Labcorp
Classification: Uncertain significance for Facioscapulohumeral muscular dystrophy 2. Last evaluated: 2024-02-07. Review status: criteria provided, single submitter. Criteria: Invitae Variant Classification Sherloc (09022015). Collection method: clinical testing. Allele origin: germline.
Comment: This sequence change replaces glutamine, which is neutral and polar, with glutamic acid, which is acidic and polar, at codon 1632 of the SMCHD1 protein (p.Gln1632Glu). This variant is present in population databases (no rsID available, gnomAD 0.007%). This variant has not been reported in the literature in individuals affected with SMCHD1-related conditions. ClinVar contains an entry for this variant (Variation ID: 464168). Advanced modeling of protein sequence and biophysical properties (such as structural, functional, and spatial information, amino acid conservation, physicochemical variation, residue mobility, and thermodynamic stability) performed at Invitae indicates that this missense variant is not expected to disrupt SMCHD1 protein function with a negative predictive value of 80%. In summary, the available evidence is currently insufficient to determine the role of this variant in disease. Therefore, it has been classified as a Variant of Uncertain Significance.

Eurofins Ntd Llc (ga)
Classification: Uncertain significance. Last evaluated: 2016-11-06. Review status: criteria provided, single submitter. Criteria: EGL Classification Definitions 2015. Collection method: clinical testing. Allele origin: germline. Observed: 1 variant allele, 1 heterozygote.